The following is an entry in ClinVar:

NM_004415.4(DSP):c.2125C>T (p.Leu709Phe)

Gene: DSP (desmoplakin; plus strand). Cytogenetic location: 6p24.3.
Variant type: single nucleotide variant.
Coding change: c.2125C>T on transcript NM_004415.4 (MANE Select); coding-DNA position 2125, C replaced by T.
Protein change: p.Leu709Phe; replaces leucine 709 with phenylalanine.
Molecular consequence: missense variant.
Genome position (GRCh38, 1-based): chr6:7,572,063, C>T. VCF-style: chr6-7572063-C-T. GRCh37 (hg19) VCF-style: chr6-7572296-C-T.
Other names: c.2125C>T (LRG_423t1); c.2125C>T, p.Leu709Phe (NM_001008844.3, NM_001319034.2); short protein forms L709F.
Identifiers: ClinVar variation 640770 (VCV000640770.28), dbSNP rs1431507005, ClinGen allele CA362680609.

ClinVar aggregate classification (germline): Conflicting classifications of pathogenicity. Review status: criteria provided, conflicting classifications (1 of 4 stars). 9 submissions from 9 submitters: Uncertain significance (8); Likely benign (1). Last evaluated 2026-05-15.

Conditions:
Lethal acantholytic epidermolysis bullosa (EBLA). Identifiers: Orphanet 158687, MedGen C1864826, MONDO:0012323, OMIM 609638.
Woolly hair-skin fragility syndrome (WHSF). Identifiers: Orphanet 293165, MedGen C1843292, MONDO:0957307, OMIM 620415.
Keratosis palmoplantaris striata 2. Also called: Keratosis palmoplantaris striata II; KERATODERMA, PALMOPLANTAR, STRIATE FORM II; STRIATE PALMOPLANTAR KERATODERMA II. Identifiers: MedGen C1852127, MONDO:0013034, OMIM 612908.
Arrhythmogenic cardiomyopathy with wooly hair and keratoderma. Also called: Arrhythmogenic cardiomyopathy with woolly hair and keratoderma; Dilated cardiomyopathy with woolly hair and keratoderma; Carvajal syndrome; PALMOPLANTAR KERATODERMA WITH LEFT VENTRICULAR CARDIOMYOPATHY AND WOOLLY HAIR. Identifiers: Orphanet 65282, MedGen C1854063, MONDO:0011581, OMIM 605676.
Cardiomyopathy, dilated, with wooly hair, keratoderma, and tooth agenesis. Also called: Cardiomyopathy, dilated, with woolly hair, keratoderma, and tooth agenesis; Erythrokeratodermia-cardiomyopathy syndrome. Identifiers: Orphanet 476096, Orphanet 65282, MedGen C4014393, MONDO:0014355, OMIM 615821.
Arrhythmogenic right ventricular dysplasia 8 (ARVD8). Also called: ARRHYTHMOGENIC RIGHT VENTRICULAR CARDIOMYOPATHY 8; Arrhythmogenic Right Ventricular Dysplasia/Cardiomyopathy 8; ARRHYTHMOGENIC RIGHT VENTRICULAR DYSPLASIA, FAMILIAL, 8. Identifiers: MedGen C1843896, MONDO:0011831, OMIM 607450.
Cardiovascular phenotype. Identifiers: MedGen CN230736.
Cardiomyopathy (CMYO). Also called: Cardiomyopathies. Identifiers: Orphanet 167848, MedGen C0878544, MONDO:0004994, HP:0001638. Inheritance: Various modes of inheritance.

Allele frequency attached by ClinVar (database versions not stated): gnomAD exomes 0.00001; TOPMed 0.00004; gnomAD 0.00007 and 0.00008.
gnomAD v4.1: 104 of 1,613,524 alleles (0.0064%); highest among the groups gnomAD compares: Non-Finnish European, 0.0085%; no homozygotes.

Submissions (9):

Women's Health and Genetics/Laboratory Corporation of America, LabCorp
Classification: Uncertain significance. Last evaluated: 2026-05-15. Review status: criteria provided, single submitter. Criteria: LabCorp Variant Classification Summary - May 2015. Collection method: clinical testing. Allele origin: germline.
Comment: Variant summary: DSP c.2125C>T (p.Leu709Phe) results in a non-conservative amino acid change in the encoded protein sequence. Algorithms developed to predict the effect of missense changes on protein structure and function are either unavailable or do not agree on the potential impact of this missense change. The variant allele was found at a frequency of 1.2e-05 in 250848 control chromosomes. The available data on variant occurrences in the general population are insufficient to allow any conclusion about variant significance. c.2125C>T has been observed in one individual affected with left ventricular noncompaction, however with a pathogenic co-occurrence in the TTN gene (Ross_2020). This report does not provide unequivocal conclusions about association of the variant with disease. To our knowledge, no experimental evidence demonstrating an impact on protein function has been reported. The following publication has been ascertained in the context of this evaluation (PMID: 33082984). ClinVar contains an entry for this variant (Variation ID: 640770). Based on the evidence outlined above, the variant was classified as uncertain significance.

Labcorp Genetics (formerly Invitae), Labcorp
Classification: Likely benign for Arrhythmogenic cardiomyopathy with wooly hair and keratoderma; Arrhythmogenic right ventricular dysplasia 8. Last evaluated: 2026-01-18. Review status: criteria provided, single submitter. Criteria: Invitae Variant Classification Sherloc (09022015). Collection method: clinical testing. Allele origin: germline.

GeneDx
Classification: Uncertain significance. Last evaluated: 2024-08-15. Review status: criteria provided, single submitter. Criteria: GeneDx Variant Classification Process June 2021. Collection method: clinical testing. Allele origin: germline. Affected: yes.
Comment: In silico analysis indicates that this missense variant does not alter protein structure/function; This variant is associated with the following publications: (PMID: 33082984)

Color Diagnostics, LLC DBA Color Health
Classification: Uncertain significance for Cardiomyopathy. Last evaluated: 2024-07-17. Review status: criteria provided, single submitter. Criteria: ACMG Guidelines, 2015. Collection method: clinical testing. Allele origin: germline.
Comment: This missense variant replaces leucine with phenylalanine at codon 709 of the DSP protein. Computational prediction suggests that this variant may not impact protein structure and function. To our knowledge, functional studies have not been reported for this variant. This variant has been reported in an individual affected with left ventricular noncompaction (PMID: 33082984). This variant has also been identified in 6/282242 chromosomes in the general population by the Genome Aggregation Database (gnomAD). The available evidence is insufficient to determine the role of this variant in disease conclusively. Therefore, this variant is classified as a Variant of Uncertain Significance.

Ambry Genetics
Classification: Uncertain significance for Cardiovascular phenotype. Last evaluated: 2024-04-01. Review status: criteria provided, single submitter. Criteria: Ambry Variant Classification Scheme 2023. Collection method: clinical testing. Allele origin: germline.

All of Us Research Program, National Institutes of Health
Classification: Uncertain significance for Arrhythmogenic cardiomyopathy with wooly hair and keratoderma. Last evaluated: 2023-12-01. Review status: criteria provided, single submitter. Criteria: ACMG Guidelines, 2015. Collection method: clinical testing. Allele origin: germline. Inheritance: Autosomal dominant inheritance. Observed: 4 variant alleles, 4 heterozygotes.
Comment: This missense variant replaces leucine with phenylalanine at codon 709 of the DSP protein. Computational prediction suggests that this variant may not impact protein structure and function (internally defined REVEL score threshold <= 0.5, PMID: 27666373). To our knowledge, functional studies have not been reported for this variant. This variant has been reported in an individual affected with left ventricular noncompaction (PMID: 33082984). This variant has also been identified in 6/282242 chromosomes in the general population by the Genome Aggregation Database (gnomAD). The available evidence is insufficient to determine the role of this variant in disease conclusively. Therefore, this variant is classified as a Variant of Uncertain Significance.

This study involves interpretation of variants in research participants for the purpose of population health screening. Participant phenotype was not available at the time of variant classification. Additional details can be found in publication PMID: 35346344, PMCID: PMC8962531

Blueprint Genetics
Classification: Uncertain significance. Last evaluated: 2023-04-24. Review status: criteria provided, single submitter. Criteria: ACMG Guidelines, 2015. Collection method: clinical testing. Allele origin: germline.

ARUP Laboratories, Molecular Genetics and Genomics, ARUP Laboratories
Classification: Uncertain significance. Last evaluated: 2022-05-06. Review status: criteria provided, single submitter. Criteria: ARUP Molecular Germline Variant Investigation Process 2021. Collection method: clinical testing. Allele origin: germline.
Comment: The DSP c.2125C>T; p.Leu709Phe variant (rs1431507005), to our knowledge, is not reported in the medical literature but is reported in ClinVar (Variation ID: 640770). This variant is found in the general population with an overall allele frequency of 0.002% (6/282242 alleles) in the Genome Aggregation Database. The leucine at codon 709 is moderately conserved, but computational analyses are uncertain whether this variant is neutral or deleterious (REVEL: 0.289). Due to limited information, the clinical significance of this variant is uncertain at this time.

Fulgent Genetics
Classification: Uncertain significance for Arrhythmogenic cardiomyopathy with wooly hair and keratoderma; Arrhythmogenic right ventricular dysplasia 8; Lethal acantholytic epidermolysis bullosa; Keratosis palmoplantaris striata 2; Cardiomyopathy, dilated, with wooly hair, keratoderma, and tooth agenesis. Last evaluated: 2021-11-01. Review status: criteria provided, single submitter. Criteria: ACMG Guidelines, 2015. Collection method: clinical testing. Allele origin: unknown.

Literature cited by the submitters: PubMed 33082984 (cited by 3 submitters).